The following is an entry in ClinVar:

ClinVar aggregate classification (germline): Uncertain significance (1 of 4 stars; one submission).

Conditions:
Cardiovascular phenotype. Identifiers: MedGen CN230736.

Allele frequency attached by ClinVar (database versions not stated): TOPMed below 0.00001; gnomAD exomes 0.00001.
gnomAD v4.1: 3 of 1,613,622 alleles (0.00019%); highest among the groups gnomAD compares: Non-Finnish European, 0.00025%; no homozygotes.

Submission:

Ambry Genetics
Classification: Uncertain significance for Cardiovascular phenotype. Last evaluated: 2020-03-17. Review status: criteria provided, single submitter. Criteria: Ambry Variant Classification Scheme 2023. Collection method: clinical testing. Allele origin: germline.
Comment: The p.G18636S variant (also known as c.55906G>A), located in coding exon 153 of the TTN gene, results from a G to A substitution at nucleotide position 55906. The glycine at codon 18636 is replaced by serine, an amino acid with similar properties. This amino acid position is highly conserved in available vertebrate species. In addition, the in silico prediction for this alteration is inconclusive. Since supporting evidence is limited at this time, the clinical significance of this alteration remains unclear.

NM_001267550.2(TTN):c.83101G>A (p.Gly27701Ser)

Genes: TTN (titin; minus strand), TTN-AS1 (TTN antisense RNA 1; plus strand). Cytogenetic location: 2q31.2.
Variant type: single nucleotide variant.
Coding change: c.83101G>A on transcript NM_001267550.2 (MANE Select); coding-DNA position 83101, G replaced by A.
Protein change: p.Gly27701Ser; replaces glycine 27701 with serine.
Molecular consequence: missense variant.
Genome position (GRCh38, 1-based): chr2:178,563,031, C>T on the plus strand (G>A on the coding strand, the complement: TTN is on the minus strand). VCF-style: chr2-178563031-C-T. GRCh37 (hg19) VCF-style: chr2-179427758-C-T.
Other names: c.78178G>A, p.Gly26060Ser (NM_001256850.1); c.55906G>A, p.Gly18636Ser (NM_003319.4); c.75397G>A, p.Gly25133Ser (NM_133378.4); c.56281G>A, p.Gly18761Ser (NM_133432.3); c.56482G>A, p.Gly18828Ser (NM_133437.4); short protein forms G18828S, G26060S, G25133S, G18636S, G18761S, G27701S.
Identifiers: ClinVar variation 1748491 (VCV001748491.2), dbSNP rs1559314882, ClinGen allele CA349569485.
Genomic context (GRCh38, chr2:178,563,031, plus strand): 5'-GAGCCCTGTCAGTGAGAATGCCTTCTGCCTTTTCCCATTTAACTTCGGGTTCTGGTCGAC[C>T]TTTGATAGTGACAAATAAGCGTAAAGTAGCACTTGCACGCAGAACGACCACCTTTCTGAG-3'
Protein context (NP_001254479.2, residues 27691-27711): ATLRLFVTIK[Gly27701Ser]RPEPEVKWEK